The following is an entry in ClinVar:

ClinVar aggregate classification (germline): Uncertain significance (1 of 4 stars; one submission).

Conditions:
Hereditary cancer-predisposing syndrome. Also called: Neoplastic Syndromes, Hereditary; Tumor predisposition; Hereditary Cancer Syndrome; Hereditary neoplastic syndrome. Identifiers: Orphanet 140162, MedGen C0027672, MeSH D009386, MONDO:0015356.

Submission:

Ambry Genetics
Classification: Uncertain significance for Hereditary cancer-predisposing syndrome. Last evaluated: 2025-10-07. Review status: criteria provided, single submitter. Criteria: Ambry Variant Classification Scheme 2023. Collection method: clinical testing. Allele origin: germline.
Comment: The p.T23P variant (also known as c.67A>C), located in coding exon 1 of the PHOX2B gene, results from an A to C substitution at nucleotide position 67. The threonine at codon 23 is replaced by proline, an amino acid with highly similar properties. This amino acid position is well conserved in available vertebrate species. In addition, this alteration is predicted to be deleterious by in silico analysis. Based on the available evidence, the clinical significance of this variant remains unclear.

NM_003924.4(PHOX2B):c.67A>C (p.Thr23Pro)

Genes: PHOX2B (paired like homeobox 2B; minus strand), PHOX2B-AS1 (PHOX2B antisense RNA 1; plus strand). Cytogenetic location: 4p13.
Variant type: single nucleotide variant.
Coding change: c.67A>C on transcript NM_003924.4 (MANE Select); coding-DNA position 67, A replaced by C.
Protein change: p.Thr23Pro; replaces threonine 23 with proline.
Molecular consequence: missense variant.
Genome position (GRCh38, 1-based): chr4:41,748,544, T>G on the plus strand (A>C on the coding strand, the complement: PHOX2B is on the minus strand). VCF-style: chr4-41748544-T-G. GRCh37 (hg19) VCF-style: chr4-41750561-T-G.
Other names: short protein forms T23P.
Identifiers: ClinVar variation 1755498 (VCV001755498.3), dbSNP rs1377892483, ClinGen allele CA356741182.